The following is an entry in ClinVar:

NM_032578.4(MYPN):c.1180A>T (p.Ile394Phe)

Gene: MYPN (myopalladin; plus strand). Cytogenetic location: 10q21.3.
Variant type: single nucleotide variant.
Coding change: c.1180A>T on transcript NM_032578.4 (MANE Select); coding-DNA position 1180, A replaced by T.
Protein change: p.Ile394Phe; replaces isoleucine 394 with phenylalanine.
Molecular consequence: missense variant. On other transcripts: non-coding transcript variant (2).
Genome position (GRCh38, 1-based): chr10:68,148,402, A>T. VCF-style: chr10-68148402-A-T. GRCh37 (hg19) VCF-style: chr10-69908159-A-T.
Other names: c.1180A>T, p.Ile394Phe (NM_001256267.2); c.298A>T, p.Ile100Phe (NM_001256268.2); short protein forms I394F, I100F.
Identifiers: ClinVar variation 1469131 (VCV001469131.8), dbSNP rs2134089584, ClinGen allele CA376831952.

ClinVar aggregate classification (germline): Uncertain significance (1 of 4 stars; one submission).

Conditions:
Dilated cardiomyopathy 1KK (CMD1KK). Identifiers: Orphanet 154, Orphanet 75249, MedGen C3714995, MONDO:0014100, OMIM 615248.

Submission:

Labcorp Genetics (formerly Invitae), Labcorp
Classification: Uncertain significance for Dilated cardiomyopathy 1KK. Last evaluated: 2022-06-13. Review status: criteria provided, single submitter. Criteria: Invitae Variant Classification Sherloc (09022015). Collection method: clinical testing. Allele origin: germline.
Comment: In summary, the available evidence is currently insufficient to determine the role of this variant in disease. Therefore, it has been classified as a Variant of Uncertain Significance. Algorithms developed to predict the effect of missense changes on protein structure and function are either unavailable or do not agree on the potential impact of this missense change (SIFT: "Deleterious"; PolyPhen-2: "Benign"; Align-GVGD: "Class C0"). This variant has not been reported in the literature in individuals affected with MYPN-related conditions. This variant is not present in population databases (gnomAD no frequency). This sequence change replaces isoleucine, which is neutral and non-polar, with phenylalanine, which is neutral and non-polar, at codon 394 of the MYPN protein (p.Ile394Phe).